The following is an entry in ClinVar:

NM_000814.6(GABRB3):c.1080+15A>G

Gene: GABRB3 (gamma-aminobutyric acid type A receptor subunit beta3; minus strand). Cytogenetic location: 15q12.
Variant type: single nucleotide variant.
Coding change: c.1080+15A>G on transcript NM_000814.6 (MANE Select); 15 bases into the intron after coding-DNA position 1080, A replaced by G.
Molecular consequence: intron variant.
Genome position (GRCh38, 1-based): chr15:26,560,917, T>C on the plus strand (A>G on the coding strand, the complement: GABRB3 is on the minus strand). VCF-style: chr15-26560917-T-C. GRCh37 (hg19) VCF-style: chr15-26806064-T-C.
Other names: c.1080+15A>G (NM_021912.5); c.825+15A>G (NM_001278631.2, NM_001191320.2); c.867+15A>G (NM_001191321.3).
Identifiers: ClinVar variation 256818 (VCV000256818.17), dbSNP rs3751582, ClinGen allele CA7437314.

ClinVar aggregate classification (germline): Benign. Review status: criteria provided, multiple submitters, no conflicts (2 of 4 stars). 7 submissions from 7 submitters: Benign (7). Last evaluated 2026-02-03.

Conditions:
Developmental and epileptic encephalopathy, 43 (DEE43). Also called: Epileptic encephalopathy, early infantile, 43. Identifiers: MedGen C4310712, MONDO:0014921, OMIM 617113.
Epilepsy, childhood absence, susceptibility to, 1. Also called: Epilepsy, childhood absence 1. Identifiers: Orphanet 64280, MedGen C1838604, MONDO:0020759, OMIM 600131.
Epilepsy, childhood absence, susceptibility to, 5. Identifiers: Orphanet 64280, MedGen C2677087, MONDO:0012843, OMIM 612269.

Allele frequency attached by ClinVar (database versions not stated): ESP Exome Variant Server 0.34261; gnomAD exomes 0.34396 and 0.29710; gnomAD 0.35335 and 0.34839; TOPMed 0.36330; 1000 Genomes Project 0.47364; ExAC 0.34561; 1000 Genomes Project 30x 0.47033.
gnomAD v4.1: 489,272 of 1,612,842 alleles (30%); highest among the groups gnomAD compares: East Asian, 77%; 82,503 homozygotes.

Submissions (7):

Labcorp Genetics (formerly Invitae), Labcorp
Classification: Benign for Epilepsy, childhood absence, susceptibility to, 5; Epilepsy, childhood absence, susceptibility to, 1. Last evaluated: 2026-02-03. Review status: criteria provided, single submitter. Criteria: Invitae Variant Classification Sherloc (09022015). Collection method: clinical testing. Allele origin: germline.

Unidad de Genómica Garrahan, Hospital de Pediatría Garrahan
Classification: Benign. Last evaluated: 2024-07-15. Review status: criteria provided, single submitter. Criteria: ACMG Guidelines, 2015. Collection method: clinical testing. Allele origin: germline. Affected: no. Observed: 47 variant alleles.
Comment: This variant is classified as Benign based on local population frequency. This variant was detected in 51% of patients studied in a panel designed for Epileptic and Developmental Encephalopathy and Progressive Myoclonus Epilepsy. Number of patients: 47. Only high quality variants are reported.

Genome-Nilou Lab
Classification: Benign for Developmental and epileptic encephalopathy, 43. Last evaluated: 2021-08-10. Review status: criteria provided, single submitter. Criteria: ACMG Guidelines, 2015. Collection method: clinical testing. Allele origin: germline. Affected: no.

Eurofins Ntd Llc (ga)
Classification: Benign. Last evaluated: 2016-05-31. Review status: criteria provided, single submitter. Criteria: EGL Classification Definitions 2015. Collection method: clinical testing. Allele origin: germline. Observed: 2 variant alleles, 2 heterozygotes.

GeneDx
Classification: Benign. Last evaluated: 2016-01-06. Review status: criteria provided, single submitter. Criteria: GeneDx Variant Classification (06012015). Collection method: clinical testing. Allele origin: germline. Affected: yes.
Comment: This variant is considered likely benign or benign based on one or more of the following criteria: it is a conservative change, it occurs at a poorly conserved position in the protein, it is predicted to be benign by multiple in silico algorithms, and/or has population frequency not consistent with disease.

Breakthrough Genomics
Classification: Benign. Review status: criteria provided, single submitter. Criteria: ACMG Guidelines, 2015. Collection method: not provided. Allele origin: germline. Inheritance: Autosomal dominant inheritance. Affected: yes.

PreventionGenetics, part of Exact Sciences
Classification: Benign. Review status: criteria provided, single submitter. Criteria: ACMG Guidelines, 2015. Collection method: clinical testing. Allele origin: germline.